The following is an entry in ClinVar:

NM_001367624.2(ZNF469):c.2170C>G (p.Leu724Val)

Gene: ZNF469 (zinc finger protein 469; plus strand). Cytogenetic location: 16q24.2.
Variant type: single nucleotide variant.
Coding change: c.2170C>G on transcript NM_001367624.2 (MANE Select); coding-DNA position 2170, C replaced by G.
Protein change: p.Leu724Val; replaces leucine 724 with valine.
Molecular consequence: missense variant.
Genome position (GRCh38, 1-based): chr16:88,429,640, C>G. VCF-style: chr16-88429640-C-G. GRCh37 (hg19) VCF-style: chr16-88496048-C-G.
Other names: NM_001127464.1:c.2170C>G; short protein forms L724V.
Identifiers: ClinVar variation 1787089 (VCV001787089.2), dbSNP rs2507577780, ClinGen allele CA397070254.

ClinVar aggregate classification (germline): Uncertain significance (1 of 4 stars; one submission).

Conditions:
Cardiovascular phenotype. Identifiers: MedGen CN230736.

Submission:

Ambry Genetics
Classification: Uncertain significance for Cardiovascular phenotype. Last evaluated: 2021-07-22. Review status: criteria provided, single submitter. Criteria: Ambry Variant Classification Scheme 2023. Collection method: clinical testing. Allele origin: germline.
Comment: The p.L724V variant (also known as c.2170C>G), located in coding exon 1 of the ZNF469 gene, results from a C to G substitution at nucleotide position 2170. The leucine at codon 724 is replaced by valine, an amino acid with highly similar properties. This amino acid position is conserved. In addition, this alteration is predicted to be tolerated by in silico analysis. Since supporting evidence is limited at this time, the clinical significance of this alteration remains unclear.